The following is an entry in ClinVar:

NM_152536.4(FGD5):c.2721C>T (p.Tyr907=)

Gene: FGD5 (FYVE, RhoGEF and PH domain containing 5; plus strand). Cytogenetic location: 3p25.1.
Variant type: single nucleotide variant.
Coding change: c.2721C>T on transcript NM_152536.4 (MANE Select); coding-DNA position 2721, C replaced by T.
Protein change: p.Tyr907=; no amino-acid change (tyrosine 907 retained).
Molecular consequence: synonymous variant.
Genome position (GRCh38, 1-based): chr3:14,880,745, C>T. VCF-style: chr3-14880745-C-T. GRCh37 (hg19) VCF-style: chr3-14922252-C-T.
Other names: c.2721C>T, p.Tyr907= (NM_001320276.2).
Identifiers: ClinVar variation 3024984 (VCV003024984.22), dbSNP rs201768331, ClinGen allele CA2271829.

ClinVar aggregate classification (germline): Likely benign (1 of 4 stars; one submission).

Allele frequency attached by ClinVar (database versions not stated): 1000 Genomes Project 0.00020; 1000 Genomes Project 30x 0.00047; ExAC 0.00122; TOPMed 0.00126; gnomAD 0.00143; ESP Exome Variant Server 0.00173; gnomAD exomes 0.00189.

Submission:

CeGaT Center for Human Genetics Tuebingen
Classification: Likely benign. Last evaluated: 2024-02-01. Review status: criteria provided, single submitter. Criteria: CeGaT Center For Human Genetics Tuebingen Variant Classification Criteria Version 2. Collection method: clinical testing. Allele origin: germline. Affected: yes. Observed: 1 variant allele.
Comment: FGD5: BP4, BP7